The following is an entry in ClinVar:

ClinVar aggregate classification (germline): Likely pathogenic (1 of 4 stars; one submission).

Conditions:
Merosin deficient congenital muscular dystrophy (MDC1A). Also called: Congenital merosin-deficient muscular dystrophy 1A; Congenital Muscular Dystrophy Type 1A (MDC1A). Identifiers: Orphanet 258, MedGen C1263858, MONDO:0011925, OMIM 607855.

Submission:

3billion
Classification: Likely pathogenic for Merosin deficient congenital muscular dystrophy. Last evaluated: 2025-10-22. Review status: criteria provided, single submitter. Criteria: ACMG Guidelines, 2015. Collection method: clinical testing. Allele origin: germline. Affected: yes.
Comment: The variant is not observed in the gnomAD v4.1.0 dataset. Predicted Consequence/Location: Canonical splice site: predicted to alter splicing and result in a loss or disruption of normal protein function. The predicted truncated protein may be shortened by less than 10%. In silico tools predict the variant to alter splicing and produce an abnormal transcript [SpliceAI: 0.96 (spliceogenicity >=0.2, non-spliceogenicity <0.1)]. The variant is in trans with the other variant. Therefore, this variant is classified as Likely pathogenic according to the recommendation of ACMG/AMP guideline.

NM_000426.4(LAMA2):c.9212-2A>C

Gene: LAMA2 (laminin subunit alpha 2; plus strand). Cytogenetic location: 6q22.33.
Variant type: single nucleotide variant.
Coding change: c.9212-2A>C on transcript NM_000426.4 (MANE Select); the canonical splice acceptor site of the intron before coding-DNA position 9212, A replaced by C.
Molecular consequence: splice acceptor variant.
Genome position (GRCh38, 1-based): chr6:129,516,188, A>C. VCF-style: chr6-129516188-A-C. GRCh37 (hg19) VCF-style: chr6-129837333-A-C.
Other names: c.9200-2A>C (NM_001079823.2).
Identifiers: ClinVar variation 4854362 (VCV004854362.1).